The following is an entry in ClinVar:

NM_173495.3(PTCHD1):c.1988A>T (p.Asp663Val)

Gene: PTCHD1 (patched domain containing 1; plus strand). Cytogenetic location: Xp22.11.
Variant type: single nucleotide variant.
Coding change: c.1988A>T on transcript NM_173495.3 (MANE Select); coding-DNA position 1988, A replaced by T.
Protein change: p.Asp663Val; replaces aspartic acid 663 with valine.
Molecular consequence: missense variant.
Genome position (GRCh38, 1-based): chrX:23,393,506, A>T. VCF-style: chrX-23393506-A-T. GRCh37 (hg19) VCF-style: chrX-23411623-A-T.
Other names: short protein forms D663V.
Identifiers: ClinVar variation 3368327 (VCV003368327.1).

ClinVar aggregate classification (germline): Uncertain significance (1 of 4 stars; one submission).

Submission:

GeneDx
Classification: Uncertain significance. Last evaluated: 2024-02-02. Review status: criteria provided, single submitter. Criteria: GeneDx Variant Classification Process June 2021. Collection method: clinical testing. Allele origin: germline. Affected: yes.
Comment: Not observed at significant frequency in large population cohorts (gnomAD); In silico analysis supports that this missense variant does not alter protein structure/function; Has not been previously published as pathogenic or benign to our knowledge